The following is an entry in ClinVar:

NM_021067.5(GINS1):c.536G>A (p.Arg179Gln)

Gene: GINS1 (GINS complex subunit 1; plus strand). Cytogenetic location: 20p11.21.
Variant type: single nucleotide variant.
Coding change: c.536G>A on transcript NM_021067.5 (MANE Select); coding-DNA position 536, G replaced by A.
Protein change: p.Arg179Gln; replaces arginine 179 with glutamine.
Molecular consequence: missense variant. On other transcripts: non-coding transcript variant (1).
Genome position (GRCh38, 1-based): chr20:25,445,936, G>A. VCF-style: chr20-25445936-G-A. GRCh37 (hg19) VCF-style: chr20-25426572-G-A.
Other names: short protein forms R179Q.
Identifiers: ClinVar variation 1507064 (VCV001507064.8), dbSNP rs148638503, ClinGen allele CA313730661.

ClinVar aggregate classification (germline): Uncertain significance (1 of 4 stars; one submission).

Allele frequency attached by ClinVar (database versions not stated): gnomAD exomes below 0.00001; TOPMed 0.00002; ESP Exome Variant Server 0.00008; 1000 Genomes Project 30x 0.00016.

Submission:

Labcorp Genetics (formerly Invitae), Labcorp
Classification: Uncertain significance. Last evaluated: 2025-07-03. Review status: criteria provided, single submitter. Criteria: Invitae Variant Classification Sherloc (09022015). Collection method: clinical testing. Allele origin: germline.
Comment: This sequence change replaces arginine, which is basic and polar, with glutamine, which is neutral and polar, at codon 179 of the GINS1 protein (p.Arg179Gln). The frequency data for this variant in the population databases is considered unreliable, as metrics indicate poor data quality at this position in the gnomAD database. This variant has not been reported in the literature in individuals affected with GINS1-related conditions. ClinVar contains an entry for this variant (Variation ID: 1507064). An algorithm developed to predict the effect of missense changes on protein structure and function (PolyPhen-2) suggests that this variant is likely to be disruptive. Algorithms developed to predict the effect of sequence changes on RNA splicing suggest that this variant may disrupt the consensus splice site. In summary, the available evidence is currently insufficient to determine the role of this variant in disease. Therefore, it has been classified as a Variant of Uncertain Significance.